The following is an entry in ClinVar:

NM_024105.4(ALG12):c.377T>G (p.Val126Gly)

Gene: ALG12 (ALG12 alpha-1,6-mannosyltransferase; minus strand). Cytogenetic location: 22q13.33.
Variant type: single nucleotide variant.
Coding change: c.377T>G on transcript NM_024105.4 (MANE Select); coding-DNA position 377, T replaced by G.
Protein change: p.Val126Gly; replaces valine 126 with glycine.
Molecular consequence: missense variant.
Genome position (GRCh38, 1-based): chr22:49,910,526, A>C on the plus strand (T>G on the coding strand, the complement: ALG12 is on the minus strand). VCF-style: chr22-49910526-A-C. GRCh37 (hg19) VCF-style: chr22-50304174-A-C.
Other names: short protein forms V126G.
Identifiers: ClinVar variation 1447643 (VCV001447643.7), dbSNP rs556496917, ClinGen allele CA10300638.
Genomic context (GRCh38, chr22:49,910,526, plus strand): 5'-CGCGTGCAGTAGAACATCAGGTGGAACTGCATGGCCGTCACCCAGCAGAACATGGTGGCC[A>C]CCATGGCCCCGAAGTGCCGTCTCACTTCCTTTTGTAACGTCCAGAGTCCAAAAATCACGC-3'
Protein context (NP_077010.1, residues 116-136): KEVRRHFGAM[Val126Gly]ATMFCWVTAM

ClinVar aggregate classification (germline): Uncertain significance (1 of 4 stars; one submission).

Conditions:
ALG12-congenital disorder of glycosylation (CDG1G). Also called: Congenital disorder of glycosylation, type Ig; CDG Ig; ALG12-CDG. Identifiers: Orphanet 79324, MedGen C2931001, MONDO:0011783, OMIM 607143.

Allele frequency attached by ClinVar (database versions not stated): TOPMed below 0.00001; gnomAD 0.00001; gnomAD exomes 0.00001.
gnomAD v4.1: 14 of 1,613,978 alleles (0.00087%); highest among the groups gnomAD compares: South Asian, 0.0088%; no homozygotes.

Submission:

Labcorp Genetics (formerly Invitae), Labcorp
Classification: Uncertain significance for ALG12-congenital disorder of glycosylation. Last evaluated: 2022-02-08. Review status: criteria provided, single submitter. Criteria: Invitae Variant Classification Sherloc (09022015). Collection method: clinical testing. Allele origin: germline.
Comment: In summary, the available evidence is currently insufficient to determine the role of this variant in disease. Therefore, it has been classified as a Variant of Uncertain Significance. Algorithms developed to predict the effect of missense changes on protein structure and function are either unavailable or do not agree on the potential impact of this missense change (SIFT: "Deleterious"; PolyPhen-2: "Benign"; Align-GVGD: "Class C0"). This variant has not been reported in the literature in individuals affected with ALG12-related conditions. This variant is present in population databases (rs556496917, gnomAD 0.006%). This sequence change replaces valine, which is neutral and non-polar, with glycine, which is neutral and non-polar, at codon 126 of the ALG12 protein (p.Val126Gly).